The following is an entry in ClinVar:

ClinVar aggregate classification (germline): Uncertain significance (1 of 4 stars; one submission).

Conditions:
Neurofibromatosis, type 1 (NF1). Also called: Neurofibromatosis, type I; Peripheral type neurofibromatosis; VON RECKLINGHAUSEN DISEASE; NEUROFIBROMATOSIS, TYPE I, SOMATIC. Identifiers: Orphanet 636, MedGen C0027831, MONDO:0018975, OMIM 162200. Disease mechanism: loss of function.

Submission:

Labcorp Genetics (formerly Invitae), Labcorp
Classification: Uncertain significance for Neurofibromatosis, type 1. Last evaluated: 2019-07-23. Review status: criteria provided, single submitter. Criteria: Invitae Variant Classification Sherloc (09022015). Collection method: clinical testing. Allele origin: germline.
Comment: This variant is a gross duplication of the genomic region encompassing exons 1-35 of the NF1 gene. The 5' end of this event is unknown as it extends beyond the assayed region for this gene and therefore may encompass additional genes. The 3' boundary is likely confined to intron 35 of the NF1 gene. This variant has not been reported in the literature in individuals with NF1-related disease. Experimental studies and prediction algorithms are not available for this variant, and the functional significance of the duplicated amino acids is currently unknown. In summary, the exact genomic location of this variant is unknown and the impact of this duplication on NF1 protein function has not been established. Therefore, it has been classified as a Variant of Uncertain Significance.

NC_000017.11:g.(?_31095300)_(31265349_?)dup

Gene: NF1 (neurofibromin 1; plus strand). Cytogenetic location: 17q11.2.
Variant type: Duplication.
Identifiers: ClinVar variation 830461 (VCV000830461.1).